The following is an entry in ClinVar:

NM_012293.3(PXDN):c.2214_2215delinsAA (p.His738_Gln739delinsGlnLys)

Gene: PXDN (peroxidasin; minus strand). Cytogenetic location: 2p25.3.
Variant type: Indel.
Coding change: c.2214_2215delinsAA on transcript NM_012293.3 (MANE Select); coding-DNA positions 2214 to 2215, CC replaced by AA.
Protein change: p.His738_Gln739delinsGlnLys.
Molecular consequence: missense variant.
Genome position (GRCh38, 1-based): chr2:1,649,565-1,649,566, GG replaced by TT on the plus strand (CC replaced by AA on the coding strand, the reverse complement: PXDN is on the minus strand). VCF-style: chr2-1649565-GG-TT. GRCh37 (hg19) VCF-style: chr2-1653337-GG-TT.
Identifiers: ClinVar variation 1054280 (VCV001054280.9), dbSNP rs2125412247, ClinGen allele CA2499215144.

ClinVar aggregate classification (germline): Uncertain significance (1 of 4 stars; one submission).

Conditions:
Anterior segment dysgenesis 7 (ASGD7). Also called: Anterior segment dysgenesis 7, with sclerocornea; SCLEROCORNEA WITH OTHER OCULAR ANOMALIES. Identifiers: Orphanet 289499, MedGen C3151617, MONDO:0010015, OMIM 269400.

Submission:

Labcorp Genetics (formerly Invitae), Labcorp
Classification: Uncertain significance for Anterior segment dysgenesis 7. Last evaluated: 2020-08-20. Review status: criteria provided, single submitter. Criteria: Invitae Variant Classification Sherloc (09022015). Collection method: clinical testing. Allele origin: germline.
Comment: This variant, c.2214_2215delinsAA, is a complex sequence change that results in the deletion of 2 and insertion of 2 amino acid(s) in the PXDN protein (p.His738_Gln739delinsGlnLys). The frequency data for this variant in the population databases is not available, as this variant may be reported as separate entries in the ExAC database. This variant has not been reported in the literature in individuals with PXDN-related conditions. Experimental studies and prediction algorithms are not available or were not evaluated, and the functional significance of this variant is currently unknown. In summary, the available evidence is currently insufficient to determine the role of this variant in disease. Therefore, it has been classified as a Variant of Uncertain Significance.